The following is an entry in ClinVar:

ClinVar aggregate classification (germline): Pathogenic (1 of 4 stars; one submission).

Conditions:
Primary ciliary dyskinesia. Also called: Ciliary dyskinesia. Identifiers: Orphanet 244, MedGen C0008780, MONDO:0016575, HP:0012265.

gnomAD v4.1: 3 of 1,610,310 alleles (0.00019%); highest among the groups gnomAD compares: Non-Finnish European, 0.00025%; no homozygotes.

Submission:

Labcorp Genetics (formerly Invitae), Labcorp
Classification: Pathogenic for Primary ciliary dyskinesia. Last evaluated: 2023-09-10. Review status: criteria provided, single submitter. Criteria: Invitae Variant Classification Sherloc (09022015). Collection method: clinical testing. Allele origin: germline.
Comment: For these reasons, this variant has been classified as Pathogenic. This sequence change creates a premature translational stop signal (p.Leu796*) in the CCDC39 gene. It is expected to result in an absent or disrupted protein product. Loss-of-function variants in CCDC39 are known to be pathogenic (PMID: 21131972, 23255504). This variant is not present in population databases (gnomAD no frequency). This variant has not been reported in the literature in individuals affected with CCDC39-related conditions.

Literature cited by the submitters: PubMed 21131972; PubMed 23255504.

NM_181426.2(CCDC39):c.2387T>G (p.Leu796Ter)

Genes: CCDC39 (coiled-coil domain 39 molecular ruler complex subunit; minus strand), TTC14 (tetratricopeptide repeat domain 14; plus strand). Cytogenetic location: 3q26.33.
Variant type: single nucleotide variant.
Coding change: c.2387T>G on transcript NM_181426.2 (MANE Select); coding-DNA position 2387, T replaced by G.
Protein change: p.Leu796Ter; replaces leucine 796 with a stop codon.
Molecular consequence: nonsense. On other transcripts: intron variant (1).
Genome position (GRCh38, 1-based): chr3:180,616,845, A>C on the plus strand (T>G on the coding strand, the complement: CCDC39 is on the minus strand). VCF-style: chr3-180616845-A-C. GRCh37 (hg19) VCF-style: chr3-180334633-A-C.
Other names: c.1775-535A>C (NM_001288582.2); short protein forms L796*.
Identifiers: ClinVar variation 2753317 (VCV002753317.3), dbSNP rs377454931, ClinGen allele CA355305539.
Genomic context (GRCh38, chr3:180,616,845, plus strand): 5'-AATGTAAATATGAAAGGTCAGTTTTTAAAAGATATCGATACCTGTTTGGTCACTCTTTCT[A>C]ATTTTGGCTTCTGCTCCTCCGTTTCTTTACTTAGTTGAAATGAATAAGCCTGCTTCTCTG-3'